The following is an entry in ClinVar:

ClinVar aggregate classification (germline): Uncertain significance. Review status: criteria provided, multiple submitters, no conflicts (2 of 4 stars). 2 submissions from 2 submitters: Uncertain significance (2). Last evaluated 2025-09-05.

Conditions:
Malignant hyperthermia, susceptibility to, 5 (MHS5). Also called: CACNA1S-Related Malignant Hyperthermia Susceptibility. Identifiers: Orphanet 423, MedGen C1866077, MONDO:0011163, OMIM 601887.

Allele frequency attached by ClinVar (database versions not stated): gnomAD 0.00001.

Submissions (2):

Color Diagnostics, LLC DBA Color Health
Classification: Uncertain significance for Malignant hyperthermia, susceptibility to, 5. Last evaluated: 2025-09-05. Review status: criteria provided, single submitter. Criteria: ACMG Guidelines, 2015. Collection method: clinical testing. Allele origin: germline.
Comment: This missense variant replaces glycine with tryptophan at codon 978 of the CACNA1S protein. Computational prediction suggests that this variant may have deleterious impact on protein structure and function. To our knowledge, functional studies have not been reported for this variant. This variant has not been reported in individuals affected with CACNA1S-related disorders in the literature. This variant has been identified in 2/250438 chromosomes in the general population by the Genome Aggregation Database (gnomAD). The available evidence is insufficient to determine the role of this variant in disease conclusively. Therefore, this variant is classified as a Variant of Uncertain Significance.

All of Us Research Program, National Institutes of Health
Classification: Uncertain significance for Malignant hyperthermia, susceptibility to, 5. Last evaluated: 2023-04-27. Review status: criteria provided, single submitter. Criteria: ACMG Guidelines, 2015. Collection method: clinical testing. Allele origin: germline. Inheritance: Autosomal dominant inheritance. Observed: 1 variant allele, 1 heterozygote.
Comment: This study involves interpretation of variants in research participants for the purpose of population health screening. Participant phenotype was not available at the time of variant classification. Additional details can be found in publication PMID: 35346344, PMCID: PMC8962531

NM_000069.3(CACNA1S):c.2932G>T (p.Gly978Trp)

Gene: CACNA1S (calcium voltage-gated channel subunit alpha1 S; minus strand). Cytogenetic location: 1q32.1.
Variant type: single nucleotide variant.
Coding change: c.2932G>T on transcript NM_000069.3 (MANE Select); coding-DNA position 2932, G replaced by T.
Protein change: p.Gly978Trp; replaces glycine 978 with tryptophan.
Molecular consequence: missense variant.
Genome position (GRCh38, 1-based): chr1:201,062,065, C>A on the plus strand (G>T on the coding strand, the complement: CACNA1S is on the minus strand). VCF-style: chr1-201062065-C-A. GRCh37 (hg19) VCF-style: chr1-201031193-C-A.
Other names: short protein forms G978W.
Identifiers: ClinVar variation 3070626 (VCV003070626.2), dbSNP rs760596943, ClinGen allele CA079430.